The following is an entry in ClinVar:

ClinVar aggregate classification (germline): Likely benign (0 of 4 stars; one submission).

Conditions:
NDRG4-related disorder. Also called: NDRG4-related condition.

gnomAD v4.1: 10 of 1,613,956 alleles (0.00062%); highest among the groups gnomAD compares: Admixed American, 0.012%; no homozygotes.

Submission:

PreventionGenetics, part of Exact Sciences
Classification: Likely benign for NDRG4-related condition. Last evaluated: 2019-05-20. Review status: no assertion criteria provided. Collection method: clinical testing. Allele origin: germline.
Comment: This variant is classified as likely benign based on ACMG/AMP sequence variant interpretation guidelines (Richards et al. 2015 PMID: 25741868, with internal and published modifications).

NM_001242835.2(NDRG4):c.822G>A (p.Lys274=)

Gene: NDRG4 (NDRG family member 4; plus strand). Cytogenetic location: 16q21.
Variant type: single nucleotide variant.
Coding change: c.822G>A on transcript NM_001242835.2 (MANE Select); coding-DNA position 822, G replaced by A.
Protein change: p.Lys274=; no amino-acid change (lysine 274 retained).
Molecular consequence: synonymous variant. On other transcripts: non-coding transcript variant (1).
Genome position (GRCh38, 1-based): chr16:58,509,309, G>A. VCF-style: chr16-58509309-G-A. GRCh37 (hg19) VCF-style: chr16-58543213-G-A.
Other names: c.978G>A, p.Lys326= (NM_001130487.2, NM_001378336.1); c.912G>A, p.Lys304= (NM_001242833.2, NM_001378344.1); c.876G>A, p.Lys292= (NM_001242834.2, NM_001378347.1); c.822G>A, p.Lys274= (NM_001242836.2); c.657G>A, p.Lys219= (NM_001363869.2); c.1068G>A, p.Lys356= (NM_001378332.1, NM_001378334.1); c.1032G>A, p.Lys344= (NM_001378333.1, NM_001378335.1); c.1011G>A, p.Lys337= (NM_001378337.1); and 4 more.
Identifiers: ClinVar variation 3352728 (VCV003352728.1).